The following is an entry in ClinVar:

ClinVar aggregate classification (germline): Uncertain significance (1 of 4 stars; one submission).

Submission:

GeneDx
Classification: Uncertain significance. Last evaluated: 2023-05-16. Review status: criteria provided, single submitter. Criteria: GeneDx Variant Classification Process June 2021. Collection method: clinical testing. Allele origin: germline. Affected: yes.
Comment: Not observed at significant frequency in large population cohorts (gnomAD); In silico analysis supports that this missense variant does not alter protein structure/function; Has not been previously published as pathogenic or benign to our knowledge

NM_004606.5(TAF1):c.2789C>T (p.Thr930Ile)

Gene: TAF1 (TATA-box binding protein associated factor 1; plus strand). Cytogenetic location: Xq13.1.
Variant type: single nucleotide variant.
Coding change: c.2789C>T on transcript NM_004606.5 (MANE Select); coding-DNA position 2789, C replaced by T.
Protein change: p.Thr930Ile; replaces threonine 930 with isoleucine.
Molecular consequence: missense variant. On other transcripts: non-coding transcript variant (9).
Genome position (GRCh38, 1-based): chrX:71,392,576, C>T. VCF-style: chrX-71392576-C-T. GRCh37 (hg19) VCF-style: chrX-70612426-C-T.
Other names: c.2789C>T, p.Thr930Ile (NM_001286074.2); c.2726C>T, p.Thr909Ile (NM_138923.4); short protein forms T909I, T930I.
Identifiers: ClinVar variation 2662369 (VCV002662369.1), dbSNP rs2520349578, ClinGen allele CA413524284.